The following is an entry in ClinVar:

ClinVar aggregate classification (germline): Uncertain significance (1 of 4 stars; one submission).

Conditions:
Autosomal recessive limb-girdle muscular dystrophy type 2J (LGMDR10). Also called: Limb-girdle muscular dystrophy, type 2J; MUSCULAR DYSTROPHY, LIMB-GIRDLE, AUTOSOMAL RECESSIVE 10. Identifiers: Orphanet 140922, MedGen C1837342, MONDO:0012127, OMIM 608807.
Dilated cardiomyopathy 1G (CMD1G). Identifiers: Orphanet 154, MedGen C1858763, MONDO:0011400, OMIM 604145.

Allele frequency attached by ClinVar (database versions not stated): gnomAD exomes below 0.00001 and 0.00001; ExAC 0.00001.
gnomAD v4.1: 3 of 1,595,288 alleles (0.00019%); highest among the groups gnomAD compares: South Asian, 0.0033%; no homozygotes.

Submission:

Labcorp Genetics (formerly Invitae), Labcorp
Classification: Uncertain significance for Dilated cardiomyopathy 1G; Autosomal recessive limb-girdle muscular dystrophy type 2J. Last evaluated: 2025-02-14. Review status: criteria provided, single submitter. Criteria: Invitae Variant Classification Sherloc (09022015). Collection method: clinical testing. Allele origin: germline.
Comment: This sequence change falls in intron 160 of the TTN gene. It does not directly change the encoded amino acid sequence of the TTN protein. It affects a nucleotide within the consensus splice site. This variant is present in population databases (rs751928755, gnomAD 0.007%). This variant has not been reported in the literature in individuals affected with TTN-related conditions. ClinVar contains an entry for this variant (Variation ID: 534965). Variants that disrupt the consensus splice site are a relatively common cause of aberrant splicing (PMID: 17576681, 9536098). Algorithms developed to predict the effect of sequence changes on RNA splicing suggest that this variant may disrupt the consensus splice site. This variant is located in the I band of TTN (PMID: 25589632). Non-truncating variants in this region may be clinically relevant, but have not been definitively shown to cause cardiomyopathy or neuromuscular disease (PMID: 27493940, 32778822). In summary, the available evidence is currently insufficient to determine the role of this variant in disease. Therefore, it has been classified as a Variant of Uncertain Significance.

Literature cited by the submitters: PubMed 17576681; PubMed 9536098; PubMed 25589632; PubMed 27493940; PubMed 32778822.

NM_001267550.2(TTN):c.35629+3A>G

Gene: TTN (titin; minus strand). Cytogenetic location: 2q31.2.
Variant type: single nucleotide variant.
Coding change: c.35629+3A>G on transcript NM_001267550.2 (MANE Select); 3 bases into the intron after coding-DNA position 35629, A replaced by G.
Molecular consequence: intron variant.
Genome position (GRCh38, 1-based): chr2:178,667,635, T>C on the plus strand (A>G on the coding strand, the complement: TTN is on the minus strand). VCF-style: chr2-178667635-T-C. GRCh37 (hg19) VCF-style: chr2-179532362-T-C.
Other names: c.13283-25318A>G (NM_003319.4); c.13859-25318A>G (NM_133437.4); c.13658-25318A>G (NM_133432.3); c.31483+2583A>G (NM_133378.4); c.34264+2583A>G (NM_001256850.1).
Identifiers: ClinVar variation 534965 (VCV000534965.9), dbSNP rs751928755, ClinGen allele CA1997778.